The following is an entry in ClinVar:

ClinVar aggregate classification (germline): Likely benign. Review status: criteria provided, multiple submitters, no conflicts (2 of 4 stars). 3 submissions from 3 submitters: Likely benign (2). 1 of the submissions does not count toward it. Last evaluated 2026-02-02.

Conditions:
EPG5-related disorder. Also called: EPG5-related condition. Identifiers: MedGen CN381528.
Vici syndrome (VICIS). Identifiers: Orphanet 1493, MedGen C1855772, MONDO:0009452, OMIM 242840.

Allele frequency attached by ClinVar (database versions not stated): ESP Exome Variant Server 0.00034; ExAC 0.00050; gnomAD exomes 0.00055; gnomAD 0.00074 and 0.00081; TOPMed 0.00110; 1000 Genomes Project 30x 0.00141; 1000 Genomes Project 0.00100.
gnomAD v4.1: 957 of 1,613,846 alleles (0.059%); highest among the groups gnomAD compares: Middle Eastern, 0.31%; no homozygotes.

Submissions (4):

Labcorp Genetics (formerly Invitae), Labcorp
Classification: Likely benign for Vici syndrome. Last evaluated: 2026-02-02. Review status: criteria provided, single submitter. Criteria: Invitae Variant Classification Sherloc (09022015). Collection method: clinical testing. Allele origin: germline.

Blueprint Genetics
Classification: Likely benign. Last evaluated: 2024-11-07. Review status: criteria provided, single submitter. Criteria: ACMG Guidelines, 2015. Collection method: clinical testing. Allele origin: germline.

PreventionGenetics, part of Exact Sciences
Classification: Likely benign for EPG5-related condition. Last evaluated: 2021-01-19. Review status: no assertion criteria provided. Collection method: clinical testing. Allele origin: germline. Not counted in ClinVar's aggregate classification.
Comment: This variant is classified as likely benign based on ACMG/AMP sequence variant interpretation guidelines (Richards et al. 2015 PMID: 25741868, with internal and published modifications).

Dr. Peter K. Rogan Lab, Western University
No classification provided (evidence only). Condition: Clear cell carcinoma of kidney. Review status: no classification provided. Collection method: in vitro. Allele origin: not applicable. Functional consequence: retained intron. Not counted in ClinVar's aggregate classification.

NM_020964.3(EPG5):c.438G>A (p.Ser146=)

Gene: EPG5 (ectopic P-granules 5 autophagy tethering factor; minus strand). Cytogenetic location: 18q21.1.
Variant type: single nucleotide variant.
Coding change: c.438G>A on transcript NM_020964.3 (MANE Select); coding-DNA position 438, G replaced by A.
Protein change: p.Ser146=; no amino-acid change (serine 146 retained).
Molecular consequence: synonymous variant.
Genome position (GRCh38, 1-based): chr18:45,954,964, C>T on the plus strand (G>A on the coding strand, the complement: EPG5 is on the minus strand). VCF-style: chr18-45954964-C-T. GRCh37 (hg19) VCF-style: chr18-43534930-C-T.
Other names: c.438G>A, p.Ser146= (LRG_1234t1).
Identifiers: ClinVar variation 534622 (VCV000534622.16), dbSNP rs186410807, ClinGen allele CA8949945.